The following is an entry in ClinVar:

NM_022124.6(CDH23):c.2156T>C (p.Phe719Ser)

Gene: CDH23 (cadherin related 23; plus strand). Cytogenetic location: 10q22.1.
Variant type: single nucleotide variant.
Coding change: c.2156T>C on transcript NM_022124.6 (MANE Select); coding-DNA position 2156, T replaced by C.
Protein change: p.Phe719Ser; replaces phenylalanine 719 with serine.
Molecular consequence: missense variant.
Genome position (GRCh38, 1-based): chr10:71,690,564, T>C. VCF-style: chr10-71690564-T-C. GRCh37 (hg19) VCF-style: chr10-73450321-T-C.
Other names: c.2156T>C, p.Phe719Ser (NM_001171930.2, NM_001171931.2); short protein forms F719S.
Identifiers: ClinVar variation 1435662 (VCV001435662.6), dbSNP rs1212886069, ClinGen allele CA377134448.

ClinVar aggregate classification (germline): Uncertain significance. Review status: criteria provided, multiple submitters, no conflicts (2 of 4 stars). 2 submissions from 2 submitters: Uncertain significance (2). Last evaluated 2023-04-23.

Conditions:
Usher syndrome type 1 (USH1). Also called: RETINITIS PIGMENTOSA AND CONGENITAL DEAFNESS. Identifiers: Orphanet 231169, Orphanet 886, MedGen C1568247, MONDO:0010168, OMIM 276900.

Allele frequency attached by ClinVar (database versions not stated): TOPMed below 0.00001; gnomAD 0.00001.
gnomAD v4.1: 2 of 1,604,612 alleles (0.00012%); highest among the groups gnomAD compares: Admixed American, 0.0017%; no homozygotes.

Submissions (2):

Department of Pathology and Laboratory Medicine, Sinai Health System
Classification: Uncertain significance for Usher syndrome type 1. Last evaluated: 2023-04-23. Review status: criteria provided, single submitter. Criteria: ACMG Guidelines, 2015. Collection method: research. Allele origin: germline.

Labcorp Genetics (formerly Invitae), Labcorp
Classification: Uncertain significance. Last evaluated: 2022-07-08. Review status: criteria provided, single submitter. Criteria: Invitae Variant Classification Sherloc (09022015). Collection method: clinical testing. Allele origin: germline.
Comment: This sequence change replaces phenylalanine, which is neutral and non-polar, with serine, which is neutral and polar, at codon 719 of the CDH23 protein (p.Phe719Ser). This variant is present in population databases (no rsID available, gnomAD 0.01%). This variant has not been reported in the literature in individuals affected with CDH23-related conditions. ClinVar contains an entry for this variant (Variation ID: 1435662). Algorithms developed to predict the effect of missense changes on protein structure and function are either unavailable or do not agree on the potential impact of this missense change (SIFT: "Deleterious"; PolyPhen-2: "Not Available"; Align-GVGD: "Class C65"). In summary, the available evidence is currently insufficient to determine the role of this variant in disease. Therefore, it has been classified as a Variant of Uncertain Significance.